The following is an entry in ClinVar:

NM_002471.4(MYH6):c.3343-3C>A

Gene: MYH6 (myosin heavy chain 6; minus strand). Cytogenetic location: 14q11.2.
Variant type: single nucleotide variant.
Coding change: c.3343-3C>A on transcript NM_002471.4 (MANE Select); 3 bases into the intron before coding-DNA position 3343, C replaced by A.
Molecular consequence: intron variant.
Genome position (GRCh38, 1-based): chr14:23,390,449, G>T on the plus strand (C>A on the coding strand, the complement: MYH6 is on the minus strand). VCF-style: chr14-23390449-G-T. GRCh37 (hg19) VCF-style: chr14-23859658-G-T.
Identifiers: ClinVar variation 179637 (VCV000179637.20), dbSNP rs565446762, ClinGen allele CA184823.

ClinVar aggregate classification (germline): Conflicting classifications of pathogenicity. Review status: criteria provided, conflicting classifications (1 of 4 stars). 6 submissions from 6 submitters: Uncertain significance (3); Likely benign (1). 2 of the submissions do not count toward it. Last evaluated 2023-07-17.

Conditions:
Cardiovascular phenotype. Identifiers: MedGen CN230736.
Hypertrophic cardiomyopathy 14. Identifiers: MedGen C2750467, MONDO:0013197, OMIM 613251.

Allele frequency attached by ClinVar (database versions not stated): gnomAD exomes 0.00002; 1000 Genomes Project 30x 0.00031; ExAC 0.00001; gnomAD 0.00010 and 0.00011; TOPMed 0.00007; 1000 Genomes Project 0.00020.

Submissions (6):

Ambry Genetics
Classification: Likely benign for Cardiovascular phenotype. Last evaluated: 2023-07-17. Review status: criteria provided, single submitter. Criteria: Ambry Variant Classification Scheme 2023. Collection method: clinical testing. Allele origin: germline.

Labcorp Genetics (formerly Invitae), Labcorp
Classification: Uncertain significance for Hypertrophic cardiomyopathy 14. Last evaluated: 2022-04-06. Review status: criteria provided, single submitter. Criteria: Invitae Variant Classification Sherloc (09022015). Collection method: clinical testing. Allele origin: germline.
Comment: In summary, the available evidence is currently insufficient to determine the role of this variant in disease. Therefore, it has been classified as a Variant of Uncertain Significance. Variants that disrupt the consensus splice site are a relatively common cause of aberrant splicing (PMID: 17576681, 9536098). Algorithms developed to predict the effect of sequence changes on RNA splicing suggest that this variant is not likely to affect RNA splicing. ClinVar contains an entry for this variant (Variation ID: 179637). This variant has not been reported in the literature in individuals affected with MYH6-related conditions. This variant is present in population databases (rs565446762, gnomAD 0.006%). This sequence change falls in intron 25 of the MYH6 gene. It does not directly change the encoded amino acid sequence of the MYH6 protein. It affects a nucleotide within the consensus splice site.

GeneDx
Classification: Uncertain significance. Last evaluated: 2021-09-20. Review status: criteria provided, single submitter. Criteria: GeneDx Variant Classification Process June 2021. Collection method: clinical testing. Allele origin: germline. Affected: yes.
Comment: Has not been previously published as pathogenic or benign to our knowledge; Not observed at a significant frequency in large population cohorts (Lek et al., 2016); In silico analysis supports a deleterious effect on splicing; Reported in ClinVar as a variant of uncertain significance (ClinVar Variant ID# 179637; Landrum et al., 2016)

Laboratory for Molecular Medicine, Mass General Brigham Personalized Medicine
Classification: Uncertain significance. Last evaluated: 2014-03-14. Review status: criteria provided, single submitter. Criteria: LMM Criteria. Collection method: clinical testing. Allele origin: germline. Observed: 1 variant allele.
Comment: The 3343-3C>A variant in MYH6 has not been previously reported in individuals wi th cardiomyopathy or in large population studies. This variant is located in the 3' splice region. Computational tools suggest a possible impact to splicing. Ho wever, this information is not predictive enough to determine pathogenicity. Add itional information is needed to fully assess the clinical significance of the v ariant.

Diagnostic Laboratory, Department of Genetics, University Medical Center Groningen
Classification: Likely benign. Review status: no assertion criteria provided. Collection method: clinical testing. Allele origin: germline. Affected: yes. Study: VKGL Data-share Consensus. Not counted in ClinVar's aggregate classification.

Joint Genome Diagnostic Labs from Nijmegen and Maastricht, Radboudumc and MUMC+
Classification: Likely benign. Review status: no assertion criteria provided. Collection method: clinical testing. Allele origin: germline. Affected: yes. Study: VKGL Data-share Consensus. Not counted in ClinVar's aggregate classification.

Literature cited by the submitters: PubMed 36293497 (cited by Ambry Genetics); PubMed 17576681 (cited by Labcorp Genetics (formerly Invitae), Labcorp); PubMed 9536098 (cited by Labcorp Genetics (formerly Invitae), Labcorp).